The following is an entry in ClinVar:

ClinVar aggregate classification (germline): Conflicting classifications of pathogenicity. Review status: criteria provided, conflicting classifications (1 of 4 stars). 6 submissions from 5 submitters: Uncertain significance (4); Likely benign (2). Last evaluated 2026-04-21.

Conditions:
Osteogenesis imperfecta (OI). Identifiers: Orphanet 666, MedGen C0029434, MeSH D010013, MONDO:0019019.
Osteogenesis imperfecta type I (OI1). Also called: Lobstein disease; OI, TYPE I; OSTEOGENESIS IMPERFECTA TARDA; OSTEOGENESIS IMPERFECTA WITH BLUE SCLERAE; Classic Non-deforming Osteogenesis Imperfecta with Blue Sclerae; Osteogenesis imperfecta type 1. Identifiers: Orphanet 216796, Orphanet 666, MedGen C0023931, MONDO:0008146, OMIM 166200. Disease mechanism: loss of function.
Ehlers-Danlos syndrome, classic type, 1 (EDSCL1). Also called: EHLERS-DANLOS SYNDROME, GRAVIS TYPE; EHLERS-DANLOS SYNDROME, SEVERE CLASSIC TYPE; Ehlers-Danlos Syndrome, Classic Type, COL5A1-Related; EDS I; Ehlers-Danlos syndrome, type 1. Identifiers: MedGen C0268335, MONDO:0019567, OMIM 130000.
Ehlers-Danlos syndrome, arthrochalasia type, 2. Also called: EHLERS-DANLOS SYNDROME, TYPE VIIB, AUTOSOMAL DOMINANT. Identifiers: MedGen CN293783, MONDO:0040501, OMIM 617821.
Cardiovascular phenotype. Identifiers: MedGen CN230736.

Allele frequency attached by ClinVar (database versions not stated): TOPMed 0.00005; gnomAD 0.00007; gnomAD exomes 0.00004 and 0.00001; ExAC 0.00002.
gnomAD v4.1: 32 of 1,614,052 alleles (0.002%); highest among the groups gnomAD compares: Admixed American, 0.0033%; no homozygotes.

Submissions (6):

Women's Health and Genetics/Laboratory Corporation of America, LabCorp
Classification: Uncertain significance. Last evaluated: 2026-04-21. Review status: criteria provided, single submitter. Criteria: LabCorp Variant Classification Summary - May 2015. Collection method: clinical testing. Allele origin: germline.
Comment: Variant summary: COL1A2 c.1564C>T (p.Pro522Ser) results in a non-conservative amino acid change in the encoded protein sequence. Algorithms developed to predict the effect of missense changes on protein structure and function all suggest that this variant is likely to be disruptive. The variant allele was found at a frequency of 4e-05 in 251472 control chromosomes in the gnomAD database, including 1 homozygotes. This frequency is not significantly higher than estimated for disease-causing variants in COL1A2, allowing no conclusion about variant significance. To our knowledge, no occurrence of c.1564C>T in individuals affected with COL1A2-related conditions and no experimental evidence demonstrating its impact on protein function have been reported. ClinVar contains an entry for this variant (Variation ID: 360955). Based on the evidence outlined above, the variant was classified as uncertain significance.

Labcorp Genetics (formerly Invitae), Labcorp
Classification: Likely benign for Osteogenesis imperfecta type I; Ehlers-Danlos syndrome, classic type, 1. Last evaluated: 2025-10-02. Review status: criteria provided, single submitter. Criteria: Invitae Variant Classification Sherloc (09022015). Collection method: clinical testing. Allele origin: germline.

GeneDx
Classification: Uncertain significance. Last evaluated: 2024-02-22. Review status: criteria provided, single submitter. Criteria: GeneDx Variant Classification Process June 2021. Collection method: clinical testing. Allele origin: germline. Affected: yes.
Comment: Has not been previously published as pathogenic or benign to our knowledge; In silico analysis supports that this missense variant has a deleterious effect on protein structure/function; Occurs in the triple helical domain at the Y position in the canonical Gly-X-Y repeat; although this variant may have an effect on normal protein folding and function, missense substitution at the Y position is not a common mechanism of disease (HGMD)

Ambry Genetics
Classification: Uncertain significance for Cardiovascular phenotype. Last evaluated: 2021-01-20. Review status: criteria provided, single submitter. Criteria: Ambry Variant Classification Scheme 2023. Collection method: clinical testing. Allele origin: germline.
Comment: The p.P522S variant (also known as c.1564C>T), located in coding exon 27 of the COL1A2 gene, results from a C to T substitution at nucleotide position 1564. The proline at codon 522 is replaced by serine, an amino acid with similar properties. This amino acid position is highly conserved in available vertebrate species. In addition, this alteration is predicted to be deleterious by in silico analysis. Since supporting evidence is limited at this time, the clinical significance of this alteration remains unclear.

Illumina Laboratory Services, Illumina
Classification: Uncertain significance for Osteogenesis imperfecta. Last evaluated: 2018-01-12. Review status: criteria provided, single submitter. Criteria: ICSL Variant Classification Criteria 13 December 2019. Collection method: clinical testing. Allele origin: germline.

Illumina Laboratory Services, Illumina
Classification: Likely benign for Ehlers-Danlos syndrome, arthrochalasia type, 2. Last evaluated: 2018-01-12. Review status: criteria provided, single submitter. Criteria: ICSL Variant Classification Criteria 13 December 2019. Collection method: clinical testing. Allele origin: germline.
Comment: This variant was observed in the ICSL laboratory as part of a predisposition screen in an ostensibly healthy population. It had not been previously curated by ICSL or reported in the Human Gene Mutation Database (HGMD: prior to June 1st, 2018), and was therefore a candidate for classification through an automated scoring system. Utilizing variant allele frequency, disease prevalence and penetrance estimates, and inheritance mode, an automated score was calculated to assess if this variant is too frequent to cause the disease. Based on the score and internal cut-off values, a variant classified as likely benign is not then subjected to further curation. The score for this variant resulted in a classification of likely benign for this disease.

NM_000089.4(COL1A2):c.1564C>T (p.Pro522Ser)

Gene: COL1A2 (collagen type I alpha 2 chain; plus strand). Cytogenetic location: 7q21.3.
Variant type: single nucleotide variant.
Coding change: c.1564C>T on transcript NM_000089.4 (MANE Select); coding-DNA position 1564, C replaced by T.
Protein change: p.Pro522Ser; replaces proline 522 with serine.
Molecular consequence: missense variant.
Genome position (GRCh38, 1-based): chr7:94,413,696, C>T. VCF-style: chr7-94413696-C-T. GRCh37 (hg19) VCF-style: chr7-94043008-C-T.
Other names: short protein forms P522S.
Identifiers: ClinVar variation 360955 (VCV000360955.19), dbSNP rs199732595, ClinGen allele CA4347121.